The following is an entry in ClinVar:

ClinVar aggregate classification (germline): Likely pathogenic (1 of 4 stars; one submission).

Submission:

GeneDx
Classification: Likely pathogenic. Last evaluated: 2025-07-14. Review status: criteria provided, single submitter. Criteria: GeneDx Variant Classification Process June 2021. Collection method: clinical testing. Allele origin: germline.
Comment: Initiation codon variant in a gene for which loss of function is a known mechanism of disease; Not observed at significant frequency in large population cohorts (gnomAD); Has not been previously published as pathogenic or benign to our knowledge

NM_021074.5(NDUFV2):c.1A>C (p.Met1Leu)

Genes: NDUFV2 (NADH:ubiquinone oxidoreductase core subunit V2; plus strand), LOC130062145 (ATAC-STARR-seq lymphoblastoid silent region 9277; plus strand). Cytogenetic location: 18p11.22.
Variant type: single nucleotide variant.
Coding change: c.1A>C on transcript NM_021074.5 (MANE Select); coding-DNA position 1, A replaced by C.
Protein change: p.Met1Leu; changes the start codon (methionine 1).
Molecular consequence: missense variant, initiator codon variant.
Genome position (GRCh38, 1-based): chr18:9,102,744, A>C. VCF-style: chr18-9102744-A-C. GRCh37 (hg19) VCF-style: chr18-9102742-A-C.
Other names: short protein forms M1L.
Identifiers: ClinVar variation 3342596 (VCV003342596.2).
Genomic context (GRCh38, chr18:9,102,744, plus strand): 5'-CTGGGCGCGCTCGGGATTCTCGCCTGGCGCGGCTGGGGAAGGTGAACAGTGTGGCCCGCC[A>C]TGTTCTTCTCCGCGGCGCTCCGGGCCCGGGCGGCTGGCCTCACCGCCCACTGGGTAAGGA-3'
Protein context (NP_066552.2, residues 1-11): [Met1Leu]FFSAALRARA